The following is an entry in ClinVar:

NM_000264.5(PTCH1):c.2887+5G>A

Gene: PTCH1 (patched 1; minus strand). Cytogenetic location: 9q22.32.
Variant type: single nucleotide variant.
Coding change: c.2887+5G>A on transcript NM_000264.5 (MANE Select); 5 bases into the intron after coding-DNA position 2887, G replaced by A.
Molecular consequence: intron variant.
Genome position (GRCh38, 1-based): chr9:95,459,595, C>T on the plus strand (G>A on the coding strand, the complement: PTCH1 is on the minus strand). VCF-style: chr9-95459595-C-T. GRCh37 (hg19) VCF-style: chr9-98221877-C-T.
Other names: c.2884+5G>A (NM_001083603.3); c.2689+5G>A (NM_001083602.3); c.2731+5G>A (NM_001354918.2); c.2434+5G>A (NM_001083605.3, NM_001083604.3, NM_001083606.3 and 1 more transcripts).
Identifiers: ClinVar variation 1797231 (VCV001797231.4), dbSNP rs2538077693, ClinGen allele CA2580080774.

ClinVar aggregate classification (germline): Conflicting classifications of pathogenicity. Review status: criteria provided, conflicting classifications (1 of 4 stars). 3 submissions from 3 submitters: Pathogenic (1); Uncertain significance (2). Last evaluated 2021-12-13.

Conditions:
Hereditary cancer-predisposing syndrome. Also called: Hereditary neoplastic syndrome; Neoplastic Syndromes, Hereditary; Tumor predisposition; Hereditary Cancer Syndrome. Identifiers: Orphanet 140162, MedGen C0027672, MeSH D009386, MONDO:0015356.

Submissions (3):

Ambry Genetics
Classification: Uncertain significance for Hereditary cancer-predisposing syndrome. Last evaluated: 2021-12-13. Review status: criteria provided, single submitter. Criteria: Ambry Variant Classification Scheme 2023. Collection method: clinical testing. Allele origin: germline.
Comment: The c.2887+5G>A intronic variant results from a G to A substitution 5 nucleotides after coding exon 17 in the PTCH1 gene. This nucleotide position is highly conserved in available vertebrate species. In silico splice site analysis predicts that this alteration will not have any significant effect on splicing. Since supporting evidence is limited at this time, the clinical significance of this alteration remains unclear.

Blueprint Genetics
Classification: Uncertain significance. Last evaluated: 2020-04-21. Review status: criteria provided, single submitter. Criteria: ACMG Guidelines, 2015. Collection method: clinical testing. Allele origin: germline.

GeneDx
Classification: Pathogenic. Last evaluated: 2015-03-03. Review status: criteria provided, single submitter. Criteria: GeneDx Variant Classification Process June 2021. Collection method: clinical testing. Allele origin: germline. Affected: yes.